The following is an entry in ClinVar:

NM_054027.6(ANKH):c.*4624A>C

Genes: ANKH (ANKH inorganic pyrophosphate transport regulator; minus strand), OTULIN (OTU deubiquitinase with linear linkage specificity; plus strand). Cytogenetic location: 5p15.2.
Variant type: single nucleotide variant.
Coding change: c.*4624A>C on transcript NM_054027.6 (MANE Select); 4624 bases downstream of the stop codon, A replaced by C.
Molecular consequence: 3 prime UTR variant.
Genome position (GRCh38, 1-based): chr5:14,706,573, T>G on the plus strand (A>C on the coding strand, the complement: ANKH is on the minus strand). VCF-style: chr5-14706573-T-G. GRCh37 (hg19) VCF-style: chr5-14706682-T-G.
Identifiers: ClinVar variation 351412 (VCV000351412.5), dbSNP rs78550928, ClinGen allele CA10622979.

ClinVar aggregate classification (germline): Benign. Review status: criteria provided, single submitter (1 of 4 stars). 2 submissions from 1 submitter: Benign (2). Last evaluated 2018-01-12.

Conditions:
Craniometaphyseal dysplasia, autosomal dominant (CMDD). Identifiers: Orphanet 1522, MedGen C1852502, MONDO:0007397, OMIM 123000.
Chondrocalcinosis 2. Also called: CALCIUM GOUT; CALCIUM PYROPHOSPHATE ARTHROPATHY; Familial calcium pyrophosphate deposition. Identifiers: Orphanet 1416, MedGen C0856830, MONDO:0007319, OMIM 118600.

Allele frequency attached by ClinVar (database versions not stated): gnomAD 0.01077 and 0.01160; 1000 Genomes Project 0.01178; 1000 Genomes Project 30x 0.01218; TOPMed 0.01260.

Submissions (2):

Illumina Laboratory Services, Illumina
Classification: Benign for Craniometaphyseal dysplasia, autosomal dominant. Last evaluated: 2018-01-12. Review status: criteria provided, single submitter. Criteria: ICSL Variant Classification Criteria 13 December 2019. Collection method: clinical testing. Allele origin: germline.
Comment: This variant was observed in the ICSL laboratory as part of a predisposition screen in an ostensibly healthy population. It had not been previously curated by ICSL or reported in the Human Gene Mutation Database (HGMD: prior to June 1st, 2018), and was therefore a candidate for classification through an automated scoring system. Utilizing variant allele frequency, disease prevalence and penetrance estimates, and inheritance mode, an automated score was calculated to assess if this variant is too frequent to cause the disease. Based on the score and internal cut-off values, a variant classified as benign is not then subjected to further curation. The score for this variant resulted in a classification of benign for this disease.

Illumina Laboratory Services, Illumina
Classification: Benign for Chondrocalcinosis 2. Last evaluated: 2018-01-12. Review status: criteria provided, single submitter. Criteria: ICSL Variant Classification Criteria 13 December 2019. Collection method: clinical testing. Allele origin: germline.
Comment: the same text as in the submission from Illumina Laboratory Services, Illumina above.